The following is an entry in ClinVar:

NM_001035.3(RYR2):c.7744C>T (p.Pro2582Ser)

Gene: RYR2 (ryanodine receptor 2; plus strand). Cytogenetic location: 1q43.
Variant type: single nucleotide variant.
Coding change: c.7744C>T on transcript NM_001035.3 (MANE Select); coding-DNA position 7744, C replaced by T.
Protein change: p.Pro2582Ser; replaces proline 2582 with serine.
Molecular consequence: missense variant.
Genome position (GRCh38, 1-based): chr1:237,651,421, C>T. VCF-style: chr1-237651421-C-T. GRCh37 (hg19) VCF-style: chr1-237814721-C-T.
Other names: short protein forms P2582S.
Identifiers: ClinVar variation 3949061 (VCV003949061.1).
Genomic context (GRCh38, chr1:237,651,421, plus strand): 5'-TAGTTTAGAAACATTTCTTGGCATTATGAACATTAGCTTTGTTCCAACAGACAACTGAGA[C>T]CTTCTATGATGCAGCACTTACTCAGAAGATTAGTATTTGATGTTCCATTATTAAATGAAC-3'
Protein context (NP_001026.2, residues 2572-2592): CLLSICGQLR[Pro2582Ser]SMMQHLLRRL

ClinVar aggregate classification (germline): Uncertain significance (1 of 4 stars; one submission).

Conditions:
Cardiovascular phenotype. Identifiers: MedGen CN230736.

Submission:

Ambry Genetics
Classification: Uncertain significance for Cardiovascular phenotype. Last evaluated: 2025-04-23. Review status: criteria provided, single submitter. Criteria: Ambry Variant Classification Scheme 2023. Collection method: clinical testing. Allele origin: germline.
Comment: The p.P2582S variant (also known as c.7744C>T), located in coding exon 51 of the RYR2 gene, results from a C to T substitution at nucleotide position 7744. The proline at codon 2582 is replaced by serine, an amino acid with similar properties. This amino acid position is highly conserved in available vertebrate species. In addition, this alteration is predicted to be deleterious by in silico analysis. Based on the available evidence, the clinical significance of this variant remains unclear.